The following is an entry in ClinVar:

ClinVar aggregate classification (germline): Uncertain significance (1 of 4 stars; one submission).

Submission:

Labcorp Genetics (formerly Invitae), Labcorp
Classification: Uncertain significance. Last evaluated: 2022-09-02. Review status: criteria provided, single submitter. Criteria: Invitae Variant Classification Sherloc (09022015). Collection method: clinical testing. Allele origin: germline.
Comment: This sequence change creates a premature translational stop signal (p.Gln539*) in the ADD3 gene. It is expected to result in an absent or disrupted protein product. However, the current clinical and genetic evidence is not sufficient to establish whether loss-of-function variants in ADD3 cause disease. This variant is not present in population databases (gnomAD no frequency). This variant has not been reported in the literature in individuals affected with ADD3-related conditions. In summary, the available evidence is currently insufficient to determine the role of this variant in disease. Therefore, it has been classified as a Variant of Uncertain Significance.

NM_016824.5(ADD3):c.1615C>T (p.Gln539Ter)

Gene: ADD3 (adducin 3; plus strand). Cytogenetic location: 10q25.2.
Variant type: single nucleotide variant.
Coding change: c.1615C>T on transcript NM_016824.5 (MANE Select); coding-DNA position 1615, C replaced by T.
Protein change: p.Gln539Ter; replaces glutamine 539 with a stop codon.
Molecular consequence: nonsense.
Genome position (GRCh38, 1-based): chr10:110,130,369, C>T. VCF-style: chr10-110130369-C-T. GRCh37 (hg19) VCF-style: chr10-111890127-C-T.
Other names: c.1615C>T, p.Gln539Ter (NM_001121.4, NM_001320591.2, NM_001320592.2 and 2 more transcripts); c.1381C>T, p.Gln461Ter (NM_001320594.2); short protein forms Q461*, Q539*.
Identifiers: ClinVar variation 2028595 (VCV002028595.4), dbSNP rs2496328580, ClinGen allele CA378377330.